The following is an entry in ClinVar:

NM_001135651.3(EIF2AK2):c.694C>G (p.Leu232Val)

Gene: EIF2AK2 (eukaryotic translation initiation factor 2 alpha kinase 2; minus strand). Cytogenetic location: 2p22.2.
Variant type: single nucleotide variant.
Coding change: c.694C>G on transcript NM_001135651.3 (MANE Select); coding-DNA position 694, C replaced by G.
Protein change: p.Leu232Val; replaces leucine 232 with valine.
Molecular consequence: missense variant.
Genome position (GRCh38, 1-based): chr2:37,137,011, G>C on the plus strand (C>G on the coding strand, the complement: EIF2AK2 is on the minus strand). VCF-style: chr2-37137011-G-C. GRCh37 (hg19) VCF-style: chr2-37364154-G-C.
Other names: c.694C>G, p.Leu232Val (NM_001135652.3, NM_002759.4); short protein forms L232V.
Identifiers: ClinVar variation 4726365 (VCV004726365.1).
Genomic context (GRCh38, chr2:37,137,011, plus strand): 5'-TCAAAATATGTTCAATGCATAATGATACTCACCTTTTTGCCTTCCTTTGATTATTTCTGA[G>C]ACCATTCTATAACAAAAGAAAATGAGAAATAGTTTCAGATGACTAAATCAGTCATCTTCC-3'
Protein context (NP_001129123.1, residues 222-242): LNSSSLLMNG[Leu232Val]RNNQRKAKRS

ClinVar aggregate classification (germline): Uncertain significance (1 of 4 stars; one submission).

gnomAD v4.1: 1 of 1,603,580 alleles (0.000062%); highest among the groups gnomAD compares: Non-Finnish European, 0.000085%; no homozygotes.

Submission:

Labcorp Genetics (formerly Invitae), Labcorp
Classification: Uncertain significance. Last evaluated: 2025-08-30. Review status: criteria provided, single submitter. Criteria: Invitae Variant Classification Sherloc (09022015). Collection method: clinical testing. Allele origin: germline.
Comment: This sequence change replaces leucine, which is neutral and non-polar, with valine, which is neutral and non-polar, at codon 232 of the EIF2AK2 protein (p.Leu232Val). This variant is not present in population databases (gnomAD no frequency). This variant has not been reported in the literature in individuals affected with EIF2AK2-related conditions. An algorithm developed to predict the effect of missense changes on protein structure and function outputs the following: PolyPhen-2: "Benign". The valine amino acid residue is found in multiple mammalian species, which suggests that this missense change does not adversely affect protein function. In summary, the available evidence is currently insufficient to determine the role of this variant in disease. Therefore, it has been classified as a Variant of Uncertain Significance.